The following is an entry in ClinVar:

ClinVar aggregate classification (germline): Conflicting classifications of pathogenicity. Review status: criteria provided, conflicting classifications (1 of 4 stars). 2 submissions from 2 submitters: Uncertain significance (1); Likely benign (1). Last evaluated 2024-02-23.

Allele frequency attached by ClinVar (database versions not stated): gnomAD exomes below 0.00001 and 0.00001; gnomAD 0.00001.
gnomAD v4.1: 3 of 1,498,012 alleles (0.0002%); highest among the groups gnomAD compares: Admixed American, 0.0038%; no homozygotes.

Submissions (2):

Labcorp Genetics (formerly Invitae), Labcorp
Classification: Likely benign. Last evaluated: 2024-02-23. Review status: criteria provided, single submitter. Criteria: Invitae Variant Classification Sherloc (09022015). Collection method: clinical testing. Allele origin: germline.

Laboratory for Molecular Medicine, Mass General Brigham Personalized Medicine
Classification: Uncertain significance. Last evaluated: 2016-05-11. Review status: criteria provided, single submitter. Criteria: LMM Criteria. Collection method: clinical testing. Allele origin: germline. Observed: 1 variant allele.
Comment: The p.Pro5397Leu variant in GPR98 has not been previously reported in individual s with hearing loss and was absent from large population studies. Computational prediction tools and conservation analyses do not provide strong support for or against an impact to the protein. In summary, the clinical significance of the p .Pro5397Leu variant is uncertain.

NM_032119.4(ADGRV1):c.16190C>T (p.Pro5397Leu)

Gene: ADGRV1 (adhesion G protein-coupled receptor V1; plus strand). Cytogenetic location: 5q14.3.
Variant type: single nucleotide variant.
Coding change: c.16190C>T on transcript NM_032119.4 (MANE Select); coding-DNA position 16190, C replaced by T.
Protein change: p.Pro5397Leu; replaces proline 5397 with leucine.
Molecular consequence: missense variant. On other transcripts: non-coding transcript variant (1).
Genome position (GRCh38, 1-based): chr5:90,815,730, C>T. VCF-style: chr5-90815730-C-T. GRCh37 (hg19) VCF-style: chr5-90111547-C-T.
Other names: short protein forms P5397L.
Identifiers: ClinVar variation 504941 (VCV000504941.8), dbSNP rs998194428, ClinGen allele CA122824820.